The following is an entry in ClinVar:

ClinVar aggregate classification (germline): Uncertain significance (1 of 4 stars; one submission).

Conditions:
Hereditary cancer-predisposing syndrome. Also called: Neoplastic Syndromes, Hereditary; Tumor predisposition; Hereditary Cancer Syndrome; Hereditary neoplastic syndrome. Identifiers: Orphanet 140162, MedGen C0027672, MeSH D009386, MONDO:0015356.

Submission:

Ambry Genetics
Classification: Uncertain significance for Hereditary cancer-predisposing syndrome. Last evaluated: 2025-01-17. Review status: criteria provided, single submitter. Criteria: Ambry Variant Classification Scheme 2023. Collection method: clinical testing. Allele origin: germline.
Comment: The p.D63N variant (also known as c.187G>A), located in coding exon 1 of the CDKN1B gene, results from a G to A substitution at nucleotide position 187. The aspartic acid at codon 63 is replaced by asparagine, an amino acid with highly similar properties. This amino acid position is highly conserved in available vertebrate species. In addition, the in silico prediction for this alteration is inconclusive. Based on the available evidence, the clinical significance of this variant remains unclear.

NM_004064.5(CDKN1B):c.187G>A (p.Asp63Asn)

Gene: CDKN1B (cyclin dependent kinase inhibitor 1B; plus strand). Cytogenetic location: 12p13.1.
Variant type: single nucleotide variant.
Coding change: c.187G>A on transcript NM_004064.5 (MANE Select); coding-DNA position 187, G replaced by A.
Protein change: p.Asp63Asn; replaces aspartic acid 63 with asparagine.
Molecular consequence: missense variant.
Genome position (GRCh38, 1-based): chr12:12,718,026, G>A. VCF-style: chr12-12718026-G-A. GRCh37 (hg19) VCF-style: chr12-12870960-G-A.
Other names: short protein forms D63N.
Identifiers: ClinVar variation 820233 (VCV000820233.5), dbSNP rs1477607353, ClinGen allele CA383969337.